The following is an entry in ClinVar:

ClinVar aggregate classification (germline): Uncertain significance (1 of 4 stars; one submission).

Conditions:
Immunodeficiency, common variable, 2 (CVID2). Also called: ANTIBODY DEFICIENCY DUE TO TACI DEFECT; HYPOGAMMAGLOBULINEMIA DUE TO TACI DEFICIENCY. Identifiers: Orphanet 1572, MedGen C3150354, MONDO:0009413, OMIM 240500.

gnomAD v4.1: 1 of 1,614,090 alleles (0.000062%); highest among the groups gnomAD compares: Non-Finnish European, 0.000085%; no homozygotes.

Submission:

Labcorp Genetics (formerly Invitae), Labcorp
Classification: Uncertain significance for Immunodeficiency, common variable, 2. Last evaluated: 2021-08-31. Review status: criteria provided, single submitter. Criteria: Invitae Variant Classification Sherloc (09022015). Collection method: clinical testing. Allele origin: germline.
Comment: This sequence change replaces arginine with lysine at codon 189 of the TNFRSF13B protein (p.Arg189Lys). The arginine residue is moderately conserved and there is a small physicochemical difference between arginine and lysine. This variant is not present in population databases (ExAC no frequency). This missense change has been observed in individual(s) with IgA deficiency (PMID: 22884984). Algorithms developed to predict the effect of missense changes on protein structure and function output the following: SIFT: "Tolerated"; PolyPhen-2: "Benign"; Align-GVGD: "Class C0". The lysine amino acid residue is found in multiple mammalian species, which suggests that this missense change does not adversely affect protein function. In summary, the available evidence is currently insufficient to determine the role of this variant in disease. Therefore, it has been classified as a Variant of Uncertain Significance.

Literature cited by the submitters: PubMed 22884984.

NM_012452.3(TNFRSF13B):c.566G>A (p.Arg189Lys)

Gene: TNFRSF13B (TNF receptor superfamily member 13B; minus strand). Cytogenetic location: 17p11.2.
Variant type: single nucleotide variant.
Coding change: c.566G>A on transcript NM_012452.3 (MANE Select); coding-DNA position 566, G replaced by A.
Protein change: p.Arg189Lys; replaces arginine 189 with lysine.
Molecular consequence: missense variant.
Genome position (GRCh38, 1-based): chr17:16,940,391, C>T on the plus strand (G>A on the coding strand, the complement: TNFRSF13B is on the minus strand). VCF-style: chr17-16940391-C-T. GRCh37 (hg19) VCF-style: chr17-16843705-C-T.
Other names: short protein forms R189K.
Identifiers: ClinVar variation 1009389 (VCV001009389.2), dbSNP rs199777698, ClinGen allele CA398519485.
Genomic context (GRCh38, chr17:16,940,391, plus strand): 5'-GAAGACTTGGCCGGACTTTGACGGGGCCTTGAGCGGGGCTGGCAGGAGCAGGGATCCCCC[C>T]TCTTCTTGAGGAAGCAGGCCACCGCCACCAGGAAGCAGCAGAGGACGGCACACAGGCAGA-3'
Protein context (NP_036584.1, residues 179-199): LVAVACFLKK[Arg189Lys]GDPCSCQPRS